The following is an entry in ClinVar:

NM_001379403.1(WDR26):c.1796C>T (p.Thr599Ile)

Gene: WDR26 (WD repeat domain 26; minus strand). Cytogenetic location: 1q42.11.
Variant type: single nucleotide variant.
Coding change: c.1796C>T on transcript NM_001379403.1 (MANE Select); coding-DNA position 1796, C replaced by T.
Protein change: p.Thr599Ile; replaces threonine 599 with isoleucine.
Molecular consequence: missense variant.
Genome position (GRCh38, 1-based): chr1:224,398,958, G>A on the plus strand (C>T on the coding strand, the complement: WDR26 is on the minus strand). VCF-style: chr1-224398958-G-A. GRCh37 (hg19) VCF-style: chr1-224586660-G-A.
Other names: c.1448C>T, p.Thr483Ile (NM_001115113.3); c.1496C>T, p.Thr499Ile (NM_025160.7); short protein forms T483I, T499I, T599I.
Identifiers: ClinVar variation 992784 (VCV000992784.2), dbSNP rs1265462349, ClinGen allele CA344747204.

ClinVar aggregate classification (germline): Uncertain significance (1 of 4 stars; one submission).

Conditions:
Skraban-Deardorff syndrome. Also called: WDR26-Related Intellectual Disability; INTELLECTUAL DISABILITY WITH SEIZURES, ABNORMAL GAIT, AND DISTINCTIVE FACIAL FEATURES. Identifiers: Orphanet 513456, MedGen C4539927, MONDO:0054636, OMIM 617616.

gnomAD v4.1: 2 of 1,613,034 alleles (0.00012%); no homozygotes.

Submission:

New York Genome Center
Classification: Uncertain significance for Skraban-Deardorff syndrome. Last evaluated: 2019-05-30. Review status: criteria provided, single submitter. Criteria: NYGC Assertion Criteria 2020. Collection method: clinical testing. Allele origin: germline. Observed: 1 heterozygote. Study: CSER-NYCKidSeq.
Comment: The c.1496C>T (p.Thr499Ile) variant identified in the WDR26 gene substitutes a highly conserved Threonine for Isoleucine at amino acid 499/662 (coding exon 10/14). This variant is absent from gnomAD and ExAC, suggesting it is not a common benign variant in the populations represented in these databases. In silico algorithms predict this variant is Deleterious (Provean; score: -5.26) and Damaging (SIFT; score: 0.020) to the function of the canonical transcript. This variant is absent from ClinVar and to our current knowledge has not been identified in affected individuals in the literature. Given the lack of compelling information for the pathogenicity of this variant, the c.1496C>T (p.Thr499Ile) variant identified in the WDR26 gene is reported here as a Variant of Uncertain Significance.